The following is an entry in ClinVar:

NC_000006.11:g.(?_123653004)_(123658834_?)del

Gene: TRDN (triadin; minus strand). Cytogenetic location: 6q22.31.
Variant type: Deletion.
Identifiers: ClinVar variation 3245993 (VCV003245993.1).

ClinVar aggregate classification (germline): Uncertain significance (1 of 4 stars; one submission).

Conditions:
Catecholaminergic polymorphic ventricular tachycardia 1. Also called: RYR2-Related Catecholaminergic Polymorphic Ventricular Tachycardia; VENTRICULAR TACHYCARDIA, CATECHOLAMINERGIC POLYMORPHIC, 1, WITH OR WITHOUT ATRIAL DYSFUNCTION AND/OR DILATED CARDIOMYOPATHY; VENTRICULAR TACHYCARDIA, STRESS-INDUCED POLYMORPHIC 1. Identifiers: Orphanet 3286, MedGen C1631597, MONDO:0011484, OMIM 604772.

Submission:

Labcorp Genetics (formerly Invitae), Labcorp
Classification: Uncertain significance for Catecholaminergic polymorphic ventricular tachycardia 1. Last evaluated: 2023-12-01. Review status: criteria provided, single submitter. Criteria: Invitae Variant Classification Sherloc (09022015). Collection method: clinical testing. Allele origin: unknown.
Comment: This variant is a gross deletion of the genomic region encompassing exon(s) 22-23 of the TRDN gene. This variant would be expected to be in-frame, preserving the integrity of the reading frame. This variant has not been reported in the literature in individuals affected with TRDN-related conditions. Experimental studies and prediction algorithms are not available or were not evaluated, and the functional significance of this variant is currently unknown. In summary, the available evidence is currently insufficient to determine the role of this variant in disease. Therefore, it has been classified as a Variant of Uncertain Significance.